The following is an entry in ClinVar:

NM_025215.6(PUS1):c.668G>A (p.Arg223His)

Gene: PUS1 (pseudouridine synthase 1; plus strand). Cytogenetic location: 12q24.33.
Variant type: single nucleotide variant.
Coding change: c.668G>A on transcript NM_025215.6 (MANE Select); coding-DNA position 668, G replaced by A.
Protein change: p.Arg223His; replaces arginine 223 with histidine.
Molecular consequence: missense variant.
Genome position (GRCh38, 1-based): chr12:131,941,415, G>A. VCF-style: chr12-131941415-G-A. GRCh37 (hg19) VCF-style: chr12-132425960-G-A.
Other names: c.584G>A, p.Arg195His (NM_001002019.3, NM_001002020.3); short protein forms R195H, R223H.
Identifiers: ClinVar variation 1496014 (VCV001496014.4), dbSNP rs750543437, ClinGen allele CA6884217.

ClinVar aggregate classification (germline): Uncertain significance. Review status: criteria provided, multiple submitters, no conflicts (2 of 4 stars). 2 submissions from 2 submitters: Uncertain significance (2). Last evaluated 2022-06-16.

Allele frequency attached by ClinVar (database versions not stated): ExAC 0.00002; gnomAD exomes 0.00002; gnomAD 0.00003 and 0.00004.
gnomAD v4.1: 29 of 1,614,050 alleles (0.0018%); highest among the groups gnomAD compares: Admixed American, 0.0067%; no homozygotes.

Submissions (2):

GeneDx
Classification: Uncertain significance. Last evaluated: 2022-06-16. Review status: criteria provided, single submitter. Criteria: GeneDx Variant Classification Process June 2021. Collection method: clinical testing. Allele origin: germline. Affected: yes.
Comment: Not observed at significant frequency in large population cohorts (gnomAD); In silico analysis supports that this missense variant has a deleterious effect on protein structure/function; Has not been previously published as pathogenic or benign to our knowledge

Labcorp Genetics (formerly Invitae), Labcorp
Classification: Uncertain significance. Last evaluated: 2021-12-16. Review status: criteria provided, single submitter. Criteria: Invitae Variant Classification Sherloc (09022015). Collection method: clinical testing. Allele origin: germline.
Comment: This sequence change replaces arginine, which is basic and polar, with histidine, which is basic and polar, at codon 223 of the PUS1 protein (p.Arg223His). This variant is present in population databases (rs750543437, gnomAD 0.004%). This variant has not been reported in the literature in individuals affected with PUS1-related conditions. Algorithms developed to predict the effect of missense changes on protein structure and function are either unavailable or do not agree on the potential impact of this missense change (SIFT: "Deleterious"; PolyPhen-2: "Benign"; Align-GVGD: "Class C0"). In summary, the available evidence is currently insufficient to determine the role of this variant in disease. Therefore, it has been classified as a Variant of Uncertain Significance.